The following is an entry in ClinVar:

NM_001458.5(FLNC):c.2234del (p.Gly745fs)

Gene: FLNC (filamin C; plus strand). Cytogenetic location: 7q32.1.
Variant type: Deletion.
Coding change: c.2234del on transcript NM_001458.5 (MANE Select); coding-DNA position 2234, one base deleted (G; older notation c.2234delG).
Protein change: p.Gly745fs; shifts the reading frame from glycine 745.
Molecular consequence: frameshift variant.
Genome position (GRCh38, 1-based): chr7:128,842,343, G deleted; the last of 4 consecutive G bases (chr7:128,842,340-128,842,343); deleting any one gives the same sequence. VCF-style (leftmost placement, unchanged base first): chr7-128842339-TG-T. GRCh37 (hg19) VCF-style: chr7-128482393-TG-T.
Other names: c.2234del, p.Gly745fs (NM_001127487.2); short protein forms G745fs.
Identifiers: ClinVar variation 944574 (VCV000944574.11), dbSNP rs1374893890, ClinGen allele CA457583956.

ClinVar aggregate classification (germline): Pathogenic. Review status: criteria provided, multiple submitters, no conflicts (2 of 4 stars). 2 submissions from 2 submitters: Pathogenic (2). Last evaluated 2025-10-02.

Conditions:
Myofibrillar myopathy 5. Also called: Filaminopathy (type); FILAMINOPATHY, AUTOSOMAL DOMINANT. Identifiers: Orphanet 171445, MedGen C1836050, MONDO:0012289, OMIM 609524.
Distal myopathy with posterior leg and anterior hand involvement. Also called: WILLIAMS DISTAL MYOPATHY. Identifiers: Orphanet 63273, MedGen C3279722, MONDO:0013550, OMIM 614065.
Hypertrophic cardiomyopathy 26. Also called: Cardiomyopathy, familial hypertrophic, 26. Identifiers: Orphanet 75249, MedGen C4310749, MONDO:0014883, OMIM 617047.

Submissions (2):

Labcorp Genetics (formerly Invitae), Labcorp
Classification: Pathogenic for Distal myopathy with posterior leg and anterior hand involvement; Myofibrillar myopathy 5; Hypertrophic cardiomyopathy 26. Last evaluated: 2025-10-02. Review status: criteria provided, single submitter. Criteria: Invitae Variant Classification Sherloc (09022015). Collection method: clinical testing. Allele origin: germline.
Comment: This sequence change creates a premature translational stop signal (p.Gly745Glufs*3) in the FLNC gene. It is expected to result in an absent or disrupted protein product. Loss-of-function variants in FLNC are known to be pathogenic (PMID: 27908349). This variant is present in population databases (no rsID available, gnomAD 0.003%). This variant has not been reported in the literature in individuals affected with FLNC-related conditions. ClinVar contains an entry for this variant (Variation ID: 944574). For these reasons, this variant has been classified as Pathogenic.

GeneDx
Classification: Pathogenic. Last evaluated: 2025-09-05. Review status: criteria provided, single submitter. Criteria: GeneDx Variant Classification Process June 2021. Collection method: clinical testing. Allele origin: germline. Affected: yes.
Comment: Frameshift variant predicted to result in protein truncation or nonsense mediated decay in a gene for which loss of function is a known mechanism of disease; Not observed at significant frequency in large population cohorts (gnomAD); Has not been previously published as pathogenic or benign to our knowledge

Literature cited by the submitters: PubMed 27908349 (cited by Labcorp Genetics (formerly Invitae), Labcorp).